The following is an entry in ClinVar:

ClinVar aggregate classification (germline): Uncertain significance (1 of 4 stars; one submission).

Allele frequency attached by ClinVar (database versions not stated): ExAC 0.00004.
gnomAD v4.1: 1 of 1,571,216 alleles (0.000064%); highest among the groups gnomAD compares: Non-Finnish European, 0.000086%; no homozygotes.

Submission:

Labcorp Genetics (formerly Invitae), Labcorp
Classification: Uncertain significance. Last evaluated: 2023-08-07. Review status: criteria provided, single submitter. Criteria: Invitae Variant Classification Sherloc (09022015). Collection method: clinical testing. Allele origin: germline.
Comment: This sequence change replaces glutamine, which is neutral and polar, with leucine, which is neutral and non-polar, at codon 610 of the MAGEL2 protein (p.Gln610Leu). This variant is not present in population databases (gnomAD no frequency). This variant has not been reported in the literature in individuals affected with MAGEL2-related conditions. Advanced modeling of protein sequence and biophysical properties (such as structural, functional, and spatial information, amino acid conservation, physicochemical variation, residue mobility, and thermodynamic stability) has been performed at Invitae for this missense variant, however the output from this modeling did not meet the statistical confidence thresholds required to predict the impact of this variant on MAGEL2 protein function. In summary, the available evidence is currently insufficient to determine the role of this variant in disease. Therefore, it has been classified as a Variant of Uncertain Significance.

NM_019066.5(MAGEL2):c.1829A>T (p.Gln610Leu)

Gene: MAGEL2 (MAGE family member L2; minus strand). Cytogenetic location: 15q11.2.
Variant type: single nucleotide variant.
Coding change: c.1829A>T on transcript NM_019066.5 (MANE Select); coding-DNA position 1829, A replaced by T.
Protein change: p.Gln610Leu; replaces glutamine 610 with leucine.
Molecular consequence: missense variant.
Genome position (GRCh38, 1-based): chr15:23,645,914, T>A on the plus strand (A>T on the coding strand, the complement: MAGEL2 is on the minus strand). VCF-style: chr15-23645914-T-A. GRCh37 (hg19) VCF-style: chr15-23891061-T-A.
Other names: short protein forms Q610L.
Identifiers: ClinVar variation 2987684 (VCV002987684.3), dbSNP rs768191086, ClinGen allele CA7430016.